The following is an entry in ClinVar:

ClinVar aggregate classification (germline): Uncertain significance (1 of 4 stars; one submission).

Submission:

GeneDx
Classification: Uncertain significance. Last evaluated: 2017-12-20. Review status: criteria provided, single submitter. Criteria: GeneDx Variant Classification (06012015). Collection method: clinical testing. Allele origin: germline. Affected: yes.
Comment: The c.543_544delCCinsAG variant results in the in-frame replacement of amino acids Aspartic acid 181 and Arginine 182 with two incorrect amnio acids. The variant has not been published as a pathogenic variant, nor has it been reported as a benign variant to our knowledge. The variant is not observed in large population cohorts (Lek et al., 2016). In-silico analyses, including protein predictors and evolutionary conservation, support a deleterious effect. In summary, based on the currently available information, it is unclear whether this variant is a pathogenic variant or a rare benign variant.

NM_000330.4(RS1):c.543_544delinsAG (p.Asp181_Arg182delinsGluGly)

Genes: CDKL5 (cyclin dependent kinase like 5; plus strand), RS1 (retinoschisin 1; minus strand). Cytogenetic location: Xp22.13.
Variant type: Indel.
Coding change: c.543_544delinsAG on transcript NM_000330.4 (MANE Select); coding-DNA positions 543 to 544, CC replaced by AG.
Protein change: p.Asp181_Arg182delinsGluGly.
Molecular consequence: missense variant. On other transcripts: intron variant (2).
Genome position (GRCh38, 1-based): chrX:18,642,135-18,642,136, GG replaced by CT on the plus strand (CC replaced by AG on the coding strand, the reverse complement: RS1 is on the minus strand). VCF-style: chrX-18642135-GG-CT. GRCh37 (hg19) VCF-style: chrX-18660255-GG-CT.
Other names: c.2714-3872_2714-3871delinsCT (NM_003159.3, NM_001037343.2).
Identifiers: ClinVar variation 503960 (VCV000503960.3), dbSNP rs1555957020, ClinGen allele CA658799587.